The following is an entry in ClinVar:

ClinVar aggregate classification (germline): Uncertain significance. Review status: criteria provided, multiple submitters, no conflicts (2 of 4 stars). 2 submissions from 2 submitters: Uncertain significance (2). Last evaluated 2025-05-19.

Conditions:
Autosomal dominant nonsyndromic hearing loss 23. Identifiers: Orphanet 90635, MedGen C1854594, MONDO:0011519, OMIM 605192.
Branchiootic syndrome 3 (BOS3). Also called: BO SYNDROME 3. Identifiers: MedGen C1842124, MONDO:0012025, OMIM 608389.
Inborn genetic diseases. Identifiers: MedGen C0950123, MeSH D030342.

gnomAD v4.1: 21 of 1,613,344 alleles (0.0013%); highest among the groups gnomAD compares: East Asian, 0.0089%; no homozygotes.

Submissions (2):

Ambry Genetics
Classification: Uncertain significance for Inborn genetic diseases. Last evaluated: 2025-05-19. Review status: criteria provided, single submitter. Criteria: Ambry Variant Classification Scheme 2023. Collection method: clinical testing. Allele origin: germline.

Labcorp Genetics (formerly Invitae), Labcorp
Classification: Uncertain significance for Autosomal dominant nonsyndromic hearing loss 23; Branchiootic syndrome 3. Last evaluated: 2024-01-31. Review status: criteria provided, single submitter. Criteria: Invitae Variant Classification Sherloc (09022015). Collection method: clinical testing. Allele origin: germline.
Comment: This sequence change replaces glycine, which is neutral and non-polar, with serine, which is neutral and polar, at codon 273 of the SIX1 protein (p.Gly273Ser). This variant is present in population databases (rs764896733, gnomAD 0.01%). This variant has not been reported in the literature in individuals affected with SIX1-related conditions. An algorithm developed to predict the effect of missense changes on protein structure and function (PolyPhen-2) suggests that this variant is likely to be tolerated. In summary, the available evidence is currently insufficient to determine the role of this variant in disease. Therefore, it has been classified as a Variant of Uncertain Significance.

NM_005982.4(SIX1):c.817G>A (p.Gly273Ser)

Gene: SIX1 (SIX homeobox 1; minus strand). Cytogenetic location: 14q23.1.
Variant type: single nucleotide variant.
Coding change: c.817G>A on transcript NM_005982.4 (MANE Select); coding-DNA position 817, G replaced by A.
Protein change: p.Gly273Ser; replaces glycine 273 with serine.
Molecular consequence: missense variant. On other transcripts: 3 prime UTR variant (1).
Genome position (GRCh38, 1-based): chr14:60,646,321, C>T on the plus strand (G>A on the coding strand, the complement: SIX1 is on the minus strand). VCF-style: chr14-60646321-C-T. GRCh37 (hg19) VCF-style: chr14-61113039-C-T.
Other names: c.817G>A (NM_005982.3); c.*236G>A (NM_001425142.1); short protein forms G273S.
Identifiers: ClinVar variation 3762717 (VCV003762717.3).